The following is an entry in ClinVar:

NM_001009944.3(PKD1):c.9161G>T (p.Ser3054Ile)

Gene: PKD1 (polycystin 1, transient receptor potential channel interacting; minus strand). Cytogenetic location: 16p13.3.
Variant type: single nucleotide variant.
Coding change: c.9161G>T on transcript NM_001009944.3 (MANE Select); coding-DNA position 9161, G replaced by T.
Protein change: p.Ser3054Ile; replaces serine 3054 with isoleucine.
Molecular consequence: missense variant.
Genome position (GRCh38, 1-based): chr16:2,102,421, C>A on the plus strand (G>T on the coding strand, the complement: PKD1 is on the minus strand). VCF-style: chr16-2102421-C-A. GRCh37 (hg19) VCF-style: chr16-2152422-C-A.
Other names: c.9161G>T, p.Ser3054Ile (NM_000296.4); short protein forms S3054I.
Identifiers: ClinVar variation 3907024 (VCV003907024.1).

ClinVar aggregate classification (germline): Uncertain significance (1 of 4 stars; one submission).

Submission:

Women's Health and Genetics/Laboratory Corporation of America, LabCorp
Classification: Uncertain significance. Last evaluated: 2025-06-18. Review status: criteria provided, single submitter. Criteria: LabCorp Variant Classification Summary - May 2015. Collection method: clinical testing. Allele origin: germline.
Comment: Variant summary: PKD1 c.9161G>T (p.Ser3054Ile) results in a non-conservative amino acid change in the encoded protein sequence. Algorithms developed to predict the effect of missense changes on protein structure and function all suggest that this variant is likely to be disruptive. The variant was absent in 157436 control chromosomes. The available data on variant occurrences in the general population are insufficient to allow any conclusion about variant significance. c.9161G>T has been observed in at least one individual from a Polycystic Kidney Disease cohort, although no further details were provided (Heyer_2016). Therefore, this report does not provide unequivocal conclusions about association of the variant with Polycystic Kidney Disease. To our knowledge, no experimental evidence demonstrating an impact on protein function has been reported. The following publication has been ascertained in the context of this evaluation (PMID: 26823553). No submitters have cited clinical-significance assessments for this variant to ClinVar. Based on the evidence outlined above, the variant was classified as uncertain significance.

Literature cited by the submitters: PubMed 26823553.